The following is an entry in ClinVar:

ClinVar aggregate classification (germline): Uncertain significance. Review status: criteria provided, multiple submitters, no conflicts (2 of 4 stars). 2 submissions from 2 submitters: Uncertain significance (2). Last evaluated 2021-09-28.

Conditions:
Charcot-Marie-Tooth disease type 2. Also called: Charcot-Marie-Tooth type 2. Identifiers: Orphanet 64746, MedGen C0270914, MONDO:0018993.

Allele frequency attached by ClinVar (database versions not stated): gnomAD exomes 0.00002.
gnomAD v4.1: 26 of 1,614,180 alleles (0.0016%); highest among the groups gnomAD compares: African/African-American, 0.0027%; no homozygotes.

Submissions (2):

Ambry Genetics
Classification: Uncertain significance. Last evaluated: 2021-09-28. Review status: criteria provided, single submitter. Criteria: Ambry Variant Classification Scheme 2023. Collection method: clinical testing. Allele origin: germline.
Comment: The p.P1085S variant (also known as c.3253C>T), located in coding exon 28 of the KIF1B gene, results from a C to T substitution at nucleotide position 3253. The proline at codon 1085 is replaced by serine, an amino acid with similar properties. This amino acid position is highly conserved in available vertebrate species. In addition, the in silico prediction for this alteration is inconclusive. Since supporting evidence is limited at this time, the clinical significance of this alteration remains unclear.

Labcorp Genetics (formerly Invitae), Labcorp
Classification: Uncertain significance for Charcot-Marie-Tooth disease type 2. Last evaluated: 2021-04-07. Review status: criteria provided, single submitter. Criteria: Invitae Variant Classification Sherloc (09022015). Collection method: clinical testing. Allele origin: germline.
Comment: In summary, the available evidence is currently insufficient to determine the role of this variant in disease. Therefore, it has been classified as a Variant of Uncertain Significance. Algorithms developed to predict the effect of missense changes on protein structure and function (SIFT, PolyPhen-2, Align-GVGD) all suggest that this variant is likely to be tolerated, but these predictions have not been confirmed by published functional studies and their clinical significance is uncertain. This variant has not been reported in the literature in individuals with KIF1B-related conditions. This variant is not present in population databases (ExAC no frequency). This sequence change replaces proline with serine at codon 1085 of the KIF1B protein (p.Pro1085Ser). The proline residue is moderately conserved and there is a moderate physicochemical difference between proline and serine.

NM_001365951.3(KIF1B):c.3391C>T (p.Pro1131Ser)

Gene: KIF1B (kinesin family member 1B; plus strand). Cytogenetic location: 1p36.22.
Variant type: single nucleotide variant.
Coding change: c.3391C>T on transcript NM_001365951.3 (MANE Select); coding-DNA position 3391, C replaced by T.
Protein change: p.Pro1131Ser; replaces proline 1131 with serine.
Molecular consequence: missense variant.
Genome position (GRCh38, 1-based): chr1:10,337,502, C>T. VCF-style: chr1-10337502-C-T. GRCh37 (hg19) VCF-style: chr1-10397560-C-T.
Other names: c.3391C>T, p.Pro1131Ser (NM_001365952.1); c.3253C>T, p.Pro1085Ser (NM_015074.3); short protein forms P1085S, P1131S.
Identifiers: ClinVar variation 1412699 (VCV001412699.10), dbSNP rs1232790642, ClinGen allele CA338340691.